The following is an entry in ClinVar:

NM_001201550.3(CFHR4):c.1363T>G (p.Ser455Ala)

Gene: CFHR4 (complement factor H related 4; plus strand). Cytogenetic location: 1q31.3.
Variant type: single nucleotide variant.
Coding change: c.1363T>G on transcript NM_001201550.3 (MANE Select); coding-DNA position 1363, T replaced by G.
Protein change: p.Ser455Ala; replaces serine 455 with alanine.
Molecular consequence: missense variant.
Genome position (GRCh38, 1-based): chr1:196,914,961, T>G. VCF-style: chr1-196914961-T-G. GRCh37 (hg19) VCF-style: chr1-196884091-T-G.
Other names: c.1360T>G, p.Ser454Ala (NM_001201551.2); c.622T>G, p.Ser208Ala (NM_006684.5); short protein forms S208A, S454A, S455A.
Identifiers: ClinVar variation 3771675 (VCV003771675.13).
Genomic context (GRCh38, chr1:196,914,961, plus strand): 5'-AAAGTTTCCAATAAGACTATTGATTTTTCCCCACATATAAAGTATTTTTTTTCAGATTCT[T>G]CAGAAAAGTGTGGGCCTCCTCCACCTATTAGCAATGGTGATACCACCTCCTTTCTACTAA-3'
Protein context (NP_001188479.1, residues 445-465): WSHFPTCYNS[Ser455Ala]EKCGPPPPIS

ClinVar aggregate classification (germline): Uncertain significance (1 of 4 stars; one submission).

Submission:

CeGaT Center for Human Genetics Tuebingen
Classification: Uncertain significance. Last evaluated: 2025-03-01. Review status: criteria provided, single submitter. Criteria: CeGaT Center For Human Genetics Tuebingen Variant Classification Criteria Version 2. Collection method: clinical testing. Allele origin: germline. Affected: yes. Observed: 1 variant allele.
Comment: CFHR4: PM2, BP4